The following is an entry in ClinVar:

ClinVar aggregate classification (germline): Uncertain significance (1 of 4 stars; one submission).

Submission:

Labcorp Genetics (formerly Invitae), Labcorp
Classification: Uncertain significance. Last evaluated: 2022-08-15. Review status: criteria provided, single submitter. Criteria: Invitae Variant Classification Sherloc (09022015). Collection method: clinical testing. Allele origin: germline.
Comment: This sequence change replaces histidine, which is basic and polar, with glutamine, which is neutral and polar, at codon 765 of the MCM4 protein (p.His765Gln). This variant is not present in population databases (gnomAD no frequency). This variant has not been reported in the literature in individuals affected with MCM4-related conditions. Algorithms developed to predict the effect of missense changes on protein structure and function are either unavailable or do not agree on the potential impact of this missense change (SIFT: "Tolerated"; PolyPhen-2: "Possibly Damaging"; Align-GVGD: "Class C0"). In summary, the available evidence is currently insufficient to determine the role of this variant in disease. Therefore, it has been classified as a Variant of Uncertain Significance.

NM_182746.3(MCM4):c.2295T>A (p.His765Gln)

Gene: MCM4 (minichromosome maintenance complex component 4; plus strand). Cytogenetic location: 8q11.21.
Variant type: single nucleotide variant.
Coding change: c.2295T>A on transcript NM_182746.3 (MANE Select); coding-DNA position 2295, T replaced by A.
Protein change: p.His765Gln; replaces histidine 765 with glutamine.
Molecular consequence: missense variant.
Genome position (GRCh38, 1-based): chr8:47,974,892, T>A. VCF-style: chr8-47974892-T-A. GRCh37 (hg19) VCF-style: chr8-48887452-T-A.
Other names: c.2295T>A, p.His765Gln (NM_005914.4); short protein forms H765Q.
Identifiers: ClinVar variation 1716299 (VCV001716299.3), dbSNP rs2551885277, ClinGen allele CA371156016.